The following is an entry in ClinVar:

NM_001849.4(COL6A2):c.1600G>A (p.Gly534Ser)

Gene: COL6A2 (collagen type VI alpha 2 chain; plus strand). Cytogenetic location: 21q22.3.
Variant type: single nucleotide variant.
Coding change: c.1600G>A on transcript NM_001849.4 (MANE Select); coding-DNA position 1600, G replaced by A.
Protein change: p.Gly534Ser; replaces glycine 534 with serine.
Molecular consequence: missense variant.
Genome position (GRCh38, 1-based): chr21:46,122,523, G>A. VCF-style: chr21-46122523-G-A. GRCh37 (hg19) VCF-style: chr21-47542437-G-A.
Other names: c.1600G>A, p.Gly534Ser (NM_058174.3, NM_058175.3); short protein forms G534S.
Identifiers: ClinVar variation 659384 (VCV000659384.8), dbSNP rs1307667500, ClinGen allele CA410534089.

ClinVar aggregate classification (germline): Conflicting classifications of pathogenicity. Review status: criteria provided, conflicting classifications (1 of 4 stars). 2 submissions from 2 submitters: Likely pathogenic (1); Uncertain significance (1). Last evaluated 2025-06-12.

Conditions:
Bethlem myopathy 1A. Also called: Bethlem Muscular Dystrophy; Bethlem myopathy 1; MYOPATHY, BENIGN CONGENITAL, WITH CONTRACTURES. Identifiers: Orphanet 610, MedGen CN029274, MONDO:0024530, OMIM 158810.
Autosomal recessive COL6A2-related disorders.

Allele frequency attached by ClinVar (database versions not stated): gnomAD exomes below 0.00001; gnomAD 0.00001; TOPMed 0.00001.
gnomAD v4.1: 4 of 1,612,686 alleles (0.00025%); highest among the groups gnomAD compares: Non-Finnish European, 0.00025%; no homozygotes.

Submissions (2):

Variantyx, Inc.
Classification: Likely pathogenic for Autosomal recessive COL6A2-related disorders. Last evaluated: 2025-06-12. Review status: criteria provided, single submitter. Criteria: Variantyx Assertion Criteria 2022. Collection method: clinical testing. Allele origin: germline. Inheritance: Autosomal dominant inheritance. Affected: yes.
Comment: This is a nonsynonymous variant in the COL6A2 gene (OMIM: 120240). Pathogenic variants in this gene have been associated with autosomal recessive COL6A2-related disorders. It lies within a known hotspot for pathogenic variants or a well-established critical functional domain of the COL6A2 protein (PMID: 28098982, 15365990, 17078022, 19344236) (PM1), and multiple computational algorithms predict a deleterious effect for this variant (REVEL score: 0.909) (PP3). This variant has a 0.0003% maximum allele frequency in non-founder control populations (PM2). Based on the current evidence, this variant is classified as likely pathogenic for autosomal recessive COL6A2-related disorders.

Labcorp Genetics (formerly Invitae), Labcorp
Classification: Uncertain significance for Bethlem myopathy 1A. Last evaluated: 2025-03-31. Review status: criteria provided, single submitter. Criteria: Invitae Variant Classification Sherloc (09022015). Collection method: clinical testing. Allele origin: germline.
Comment: This sequence change replaces glycine, which is neutral and non-polar, with serine, which is neutral and polar, at codon 534 of the COL6A2 protein (p.Gly534Ser). This variant is not present in population databases (gnomAD no frequency). This variant has not been reported in the literature in individuals affected with COL6A2-related conditions. ClinVar contains an entry for this variant (Variation ID: 659384). Invitae Evidence Modeling of protein sequence and biophysical properties (such as structural, functional, and spatial information, amino acid conservation, physicochemical variation, residue mobility, and thermodynamic stability) indicates that this missense variant is expected to disrupt COL6A2 protein function with a positive predictive value of 80%. This variant disrupts the triple helix domain of COL6A2. Glycine residues within the Gly-Xaa-Yaa repeats of the triple helix domain are required for the structure and stability of fibrillar collagens (PMID: 7695699, 8218237, 19344236). In COL6A2, missense variants at these glycine residues are significantly enriched in individuals with autosomal dominant disease (PMID: 15689448, 24038877) compared to the general population (ExAC). In summary, the available evidence is currently insufficient to determine the role of this variant in disease. Therefore, it has been classified as a Variant of Uncertain Significance.

Literature cited by the submitters: PubMed 28098982 (cited by Variantyx, Inc.); PubMed 15365990 (cited by Variantyx, Inc.); PubMed 17078022 (cited by Variantyx, Inc.); PubMed 19344236 (cited by Variantyx, Inc. and Labcorp Genetics (formerly Invitae), Labcorp); PubMed 7695699 (cited by Labcorp Genetics (formerly Invitae), Labcorp); PubMed 8218237 (cited by Labcorp Genetics (formerly Invitae), Labcorp); PubMed 15689448 (cited by Labcorp Genetics (formerly Invitae), Labcorp); PubMed 24038877 (cited by Labcorp Genetics (formerly Invitae), Labcorp).